The following is an entry in ClinVar:

NM_015102.5(NPHP4):c.2026_2027del (p.Pro676fs)

Gene: NPHP4 (nephrocystin 4; minus strand). Cytogenetic location: 1p36.31.
Variant type: Deletion.
Coding change: c.2026_2027del on transcript NM_015102.5 (MANE Select); coding-DNA positions 2026 to 2027, 2 bases deleted (CC; older notation c.2026_2027delCC).
Protein change: p.Pro676fs; shifts the reading frame from proline 676.
Molecular consequence: frameshift variant. On other transcripts: non-coding transcript variant (1).
Genome position (GRCh38, 1-based): chr1:5,904,733-5,904,734, GG deleted on the plus strand (CC on the coding strand, the reverse complement: NPHP4 is on the minus strand); deleting any 2 consecutive bases within chr1:5,904,733-5,904,735 gives the same sequence; the c. name uses the placement nearest the transcript's 3' end. VCF-style (leftmost placement, unchanged base first): chr1-5904732-TGG-T. GRCh37 (hg19) VCF-style: chr1-5964792-TGG-T.
Other names: c.487_488del, p.Pro163fs (NM_001291593.2); c.490_491del, p.Pro164fs (NM_001291594.2); short protein forms P164fs, P676fs, P163fs.
Identifiers: ClinVar variation 3018725 (VCV003018725.3), dbSNP rs1644831295, ClinGen allele CA1151239372.

ClinVar aggregate classification (germline): Pathogenic (1 of 4 stars; one submission).

Conditions:
Nephronophthisis. Also called: Juvenile Nephronophthisis. Identifiers: Orphanet 655, MedGen C0687120, MONDO:0019005, HP:0000090.

Submission:

Labcorp Genetics (formerly Invitae), Labcorp
Classification: Pathogenic for Nephronophthisis. Last evaluated: 2025-09-02. Review status: criteria provided, single submitter. Criteria: Invitae Variant Classification Sherloc (09022015). Collection method: clinical testing. Allele origin: germline.
Comment: This sequence change creates a premature translational stop signal (p.Pro676Thrfs*14) in the NPHP4 gene. It is expected to result in an absent or disrupted protein product. Loss-of-function variants in NPHP4 are known to be pathogenic (PMID: 12205563, 23559409). This variant is not present in population databases (gnomAD no frequency). This variant has not been reported in the literature in individuals affected with NPHP4-related conditions. ClinVar contains an entry for this variant (Variation ID: 3018725). For these reasons, this variant has been classified as Pathogenic.

Literature cited by the submitters: PubMed 12205563; PubMed 23559409.